The following is an entry in ClinVar:

ClinVar aggregate classification (germline): Likely pathogenic (1 of 4 stars; one submission).

Submission:

Centre of Medical Genetics, University Hospital Muenster
Classification: Likely pathogenic. Last evaluated: 2022-07-06. Review status: criteria provided, single submitter. Criteria: ACMG Guidelines, 2015. Collection method: clinical testing. Allele origin: unknown. Affected: yes. Observed: 1 variant allele.
Comment: ACMG categories: PVS1,PM2

NM_000216.4(ANOS1):c.1767G>A (p.Trp589Ter)

Gene: ANOS1 (anosmin 1; minus strand). Cytogenetic location: Xp22.31.
Variant type: single nucleotide variant.
Coding change: c.1767G>A on transcript NM_000216.4 (MANE Select); coding-DNA position 1767, G replaced by A.
Protein change: p.Trp589Ter; replaces tryptophan 589 with a stop codon.
Molecular consequence: nonsense.
Genome position (GRCh38, 1-based): chrX:8,535,666, C>T on the plus strand (G>A on the coding strand, the complement: ANOS1 is on the minus strand). VCF-style: chrX-8535666-C-T. GRCh37 (hg19) VCF-style: chrX-8503707-C-T.
Other names: short protein forms W589*.
Identifiers: ClinVar variation 1700696 (VCV001700696.2), dbSNP rs1929577517, ClinGen allele CA411986946.